The following is an entry in ClinVar:

NM_003482.4(KMT2D):c.6319C>A (p.Pro2107Thr)

Gene: KMT2D (lysine methyltransferase 2D; minus strand). Cytogenetic location: 12q13.12.
Variant type: single nucleotide variant.
Coding change: c.6319C>A on transcript NM_003482.4 (MANE Select); coding-DNA position 6319, C replaced by A.
Protein change: p.Pro2107Thr; replaces proline 2107 with threonine.
Molecular consequence: missense variant.
Genome position (GRCh38, 1-based): chr12:49,041,451, G>T on the plus strand (C>A on the coding strand, the complement: KMT2D is on the minus strand). VCF-style: chr12-49041451-G-T. GRCh37 (hg19) VCF-style: chr12-49435234-G-T.
Other names: short protein forms P2107T.
Identifiers: ClinVar variation 134686 (VCV000134686.11), dbSNP rs201977719, ClinGen allele CA160537.

ClinVar aggregate classification (germline): Benign/Likely benign. Review status: criteria provided, multiple submitters, no conflicts (2 of 4 stars). 6 submissions from 6 submitters: Benign (1); Likely benign (4). 1 of the submissions does not count toward it. Last evaluated 2026-01-04.

Conditions:
KMT2D-related disorder. Also called: KMT2D-Related Disorders.
Kabuki syndrome. Also called: NIIKAWA-KUROKI SYNDROME; Kabuki make-up syndrome. Identifiers: Orphanet 2322, MedGen C0796004, MONDO:0016512.
Inborn genetic diseases. Identifiers: MedGen C0950123, MeSH D030342.
Intellectual disability. Also called: Intellectual developmental disorder; Intellectual functioning disability; intellectual disabilities. Identifiers: MedGen C3714756, MeSH D008607, MONDO:0001071, HP:0001249.

Allele frequency attached by ClinVar (database versions not stated): ExAC 0.00004; gnomAD exomes 0.00004; gnomAD 0.00007; TOPMed 0.00009; ESP Exome Variant Server 0.00033.
gnomAD v4.1: 181 of 1,612,682 alleles (0.011%); highest among the groups gnomAD compares: Non-Finnish European, 0.015%; no homozygotes.

Submissions (6):

Labcorp Genetics (formerly Invitae), Labcorp
Classification: Benign for Kabuki syndrome. Last evaluated: 2026-01-04. Review status: criteria provided, single submitter. Criteria: Invitae Variant Classification Sherloc (09022015). Collection method: clinical testing. Allele origin: germline.

PreventionGenetics, part of Exact Sciences
Classification: Likely benign for KMT2D-related condition. Last evaluated: 2025-04-09. Review status: criteria provided, single submitter. Criteria: ACMG Guidelines, 2015. Collection method: clinical testing. Allele origin: germline.
Comment: This variant is classified as likely benign based on ACMG/AMP sequence variant interpretation guidelines (Richards et al. 2015 PMID: 25741868, with internal and published modifications).

Ambry Genetics
Classification: Likely benign for Inborn genetic diseases. Last evaluated: 2021-09-24. Review status: criteria provided, single submitter. Criteria: Ambry Variant Classification Scheme 2023. Collection method: clinical testing. Allele origin: germline.

Cambridge Genomics Laboratory, East Genomic Laboratory Hub, NHS Genomic Medicine Service
Classification: Likely benign for Intellectual disability. Last evaluated: 2019-04-17. Review status: criteria provided, single submitter. Criteria: ACGS Best Practice Guidelines for Variant Classification in Rare Disease 2020. Collection method: clinical testing. Allele origin: germline. Affected: yes. Observed: 1 variant allele.

GeneDx
Classification: Likely benign. Last evaluated: 2018-12-20. Review status: criteria provided, single submitter. Criteria: GeneDx Variant Classification Process June 2021. Collection method: clinical testing. Allele origin: germline. Affected: yes.

ITMI
No classification provided. Condition: AllHighlyPenetrant. Last evaluated: 2013-09-19. Review status: no classification provided. Collection method: reference population. Allele origin: germline. Not counted in ClinVar's aggregate classification.
Comment: Please see associated publication for description of ethnicities

Literature cited by the submitters: PubMed 24728327 (cited by ITMI).